The following is an entry in ClinVar:

ClinVar aggregate classification (germline): Pathogenic (1 of 4 stars; one submission).

Submission:

Labcorp Genetics (formerly Invitae), Labcorp
Classification: Pathogenic. Last evaluated: 2022-05-29. Review status: criteria provided, single submitter. Criteria: Invitae Variant Classification Sherloc (09022015). Collection method: clinical testing. Allele origin: germline.
Comment: For these reasons, this variant has been classified as Pathogenic. This variant has not been reported in the literature in individuals affected with ERCC8-related conditions. This variant is a gross deletion of the genomic region encompassing exon(s) 1-9 of the ERCC8 gene, which includes the initiator codon. This deletion extends beyond the assayed region for this gene and therefore may encompass additional genes. It is expected to result in an absent or disrupted protein product. Loss-of-function variants in ERCC8 are known to be pathogenic (PMID: 29572252).

Literature cited by the submitters: PubMed 29572252.

NC_000005.9:g.(?_60194093)_(60369051_?)del

Genes: ERCC8 (ERCC excision repair 8, CSA ubiquitin ligase complex subunit; minus strand), NDUFAF2 (NADH:ubiquinone oxidoreductase complex assembly factor 2; plus strand). Cytogenetic location: 5q12.1.
Variant type: Deletion.
Identifiers: ClinVar variation 2422320 (VCV002422320.4).